The following is an entry in ClinVar:

ClinVar aggregate classification (germline): Likely benign. Review status: criteria provided, multiple submitters, no conflicts (2 of 4 stars). 2 submissions from 2 submitters: Likely benign (2). Last evaluated 2026-01-05.

Conditions:
RDH5-related disorder. Also called: RDH5-related condition.

Allele frequency attached by ClinVar (database versions not stated): gnomAD 0.00001 and 0.00005; TOPMed 0.00002; gnomAD exomes 0.00008; ExAC 0.00019.
gnomAD v4.1: 136 of 1,613,986 alleles (0.0084%); highest among the groups gnomAD compares: South Asian, 0.13%; no homozygotes.

Submissions (2):

Labcorp Genetics (formerly Invitae), Labcorp
Classification: Likely benign. Last evaluated: 2026-01-05. Review status: criteria provided, single submitter. Criteria: Invitae Variant Classification Sherloc (09022015). Collection method: clinical testing. Allele origin: germline.

PreventionGenetics, part of Exact Sciences
Classification: Likely benign for RDH5-related condition. Last evaluated: 2025-08-29. Review status: criteria provided, single submitter. Criteria: ACMG Guidelines, 2015. Collection method: clinical testing. Allele origin: germline.
Comment: This variant is classified as likely benign based on ACMG/AMP sequence variant interpretation guidelines (Richards et al. 2015 PMID: 25741868, with internal and published modifications).

NM_002905.5(RDH5):c.864G>A (p.Lys288=)

Genes: BLOC1S1-RDH5 (BLOC1S1-RDH5 readthrough; plus strand), CD63 (CD63 molecule; minus strand), RDH5 (retinol dehydrogenase 5; plus strand). Cytogenetic location: 12q13.2.
Variant type: single nucleotide variant.
Coding change: c.864G>A on transcript NM_002905.5 (MANE Select); coding-DNA position 864, G replaced by A.
Protein change: p.Lys288=; no amino-acid change (lysine 288 retained).
Molecular consequence: synonymous variant. On other transcripts: non-coding transcript variant (1).
Genome position (GRCh38, 1-based): chr12:55,724,452, G>A. VCF-style: chr12-55724452-G-A. GRCh37 (hg19) VCF-style: chr12-56118236-G-A.
Other names: c.864G>A, p.Lys288= (NM_001199771.3); c.864G>A (NM_002905.3).
Identifiers: ClinVar variation 1665038 (VCV001665038.9), dbSNP rs1173194954, ClinGen allele CA6616977.